The following is an entry in ClinVar:

ClinVar aggregate classification (germline): Uncertain significance. Review status: criteria provided, multiple submitters, no conflicts (2 of 4 stars). 5 submissions from 5 submitters: Uncertain significance (5). Last evaluated 2025-03-04.

Conditions:
Autosomal recessive ataxia, Beauce type. Also called: Spinocerebellar ataxia, autosomal recessive 8; ATAXIA, RECESSIVE, OF BEAUCE; SYNE1-Related Autosomal Recessive Cerebellar Ataxia; SYNE1 Deficiency. Identifiers: Orphanet 88644, MedGen C1853116, MONDO:0012549, OMIM 610743.
Emery-Dreifuss muscular dystrophy 4, autosomal dominant (EDMD4). Also called: EMERY-DREIFUSS MUSCULAR DYSTROPHY 4 WITH VARIABLE FEATURES. Identifiers: Orphanet 261, MedGen C2751807, MONDO:0013071, OMIM 612998.

Allele frequency attached by ClinVar (database versions not stated): ExAC 0.00008; ESP Exome Variant Server 0.00008; gnomAD exomes 0.00008 and 0.00011; TOPMed 0.00013; gnomAD 0.00014 and 0.00017.
gnomAD v4.1: 192 of 1,614,162 alleles (0.012%); highest among the groups gnomAD compares: African/African-American, 0.027%; no homozygotes.

Submissions (5):

GeneDx
Classification: Uncertain significance. Last evaluated: 2025-03-04. Review status: criteria provided, single submitter. Criteria: GeneDx Variant Classification Process June 2021. Collection method: clinical testing. Allele origin: germline. Affected: yes.
Comment: In silico analysis supports that this missense variant does not alter protein structure/function; Has not been previously published as pathogenic or benign to our knowledge

Revvity Omics, Revvity
Classification: Uncertain significance. Last evaluated: 2024-06-12. Review status: criteria provided, single submitter. Criteria: ACMG Guidelines, 2015. Collection method: clinical testing. Allele origin: germline.

Athena Diagnostics
Classification: Uncertain significance. Last evaluated: 2024-04-26. Review status: criteria provided, single submitter. Criteria: Athena Diagnostics Criteria. Collection method: clinical testing. Allele origin: unknown.
Comment: Available data are insufficient to determine the clinical significance of the variant at this time. The frequency of this variant in the general population is uninformative in assessment of its pathogenicity. Polyphen and MutationTaster predict this amino acid change may be benign.

Labcorp Genetics (formerly Invitae), Labcorp
Classification: Uncertain significance for Emery-Dreifuss muscular dystrophy 4, autosomal dominant; Autosomal recessive ataxia, Beauce type. Last evaluated: 2023-08-10. Review status: criteria provided, single submitter. Criteria: Invitae Variant Classification Sherloc (09022015). Collection method: clinical testing. Allele origin: germline.
Comment: This sequence change replaces glutamic acid, which is acidic and polar, with lysine, which is basic and polar, at codon 4651 of the SYNE1 protein (p.Glu4651Lys). This variant is present in population databases (rs35484093, gnomAD 0.03%). This variant has not been reported in the literature in individuals affected with SYNE1-related conditions. In summary, the available evidence is currently insufficient to determine the role of this variant in disease. Therefore, it has been classified as a Variant of Uncertain Significance. An algorithm developed to predict the effect of missense changes on protein structure and function (PolyPhen-2) suggests that this variant¬†is likely to be tolerated. ClinVar contains an entry for this variant (Variation ID: 282320).

Eurofins Ntd Llc (ga)
Classification: Uncertain significance. Last evaluated: 2016-09-13. Review status: criteria provided, single submitter. Criteria: EGL Classification Definitions 2015. Collection method: clinical testing. Allele origin: germline. Observed: 3 variant alleles, 3 heterozygotes.

NM_182961.4(SYNE1):c.14164G>A (p.Glu4722Lys)

Gene: SYNE1 (spectrin repeat containing nuclear envelope protein 1; minus strand). Cytogenetic location: 6q25.2.
Variant type: single nucleotide variant.
Coding change: c.14164G>A on transcript NM_182961.4 (MANE Select); coding-DNA position 14164, G replaced by A.
Protein change: p.Glu4722Lys; replaces glutamic acid 4722 with lysine.
Molecular consequence: missense variant.
Genome position (GRCh38, 1-based): chr6:152,330,521, C>T on the plus strand (G>A on the coding strand, the complement: SYNE1 is on the minus strand). VCF-style: chr6-152330521-C-T. GRCh37 (hg19) VCF-style: chr6-152651656-C-T.
Other names: c.14164G>A (NM_182961.2); c.13951G>A, p.Glu4651Lys (NM_033071.5); short protein forms E4651K, E4722K.
Identifiers: ClinVar variation 282320 (VCV000282320.19), dbSNP rs35484093, ClinGen allele CA4056059.